The following is an entry in ClinVar:

NM_006019.4(TCIRG1):c.1451A>G (p.Gln484Arg)

Gene: TCIRG1 (T cell immune regulator 1, ATPase H+ transporting V0 subunit a3; plus strand). Cytogenetic location: 11q13.2.
Variant type: single nucleotide variant.
Coding change: c.1451A>G on transcript NM_006019.4 (MANE Select); coding-DNA position 1451, A replaced by G.
Protein change: p.Gln484Arg; replaces glutamine 484 with arginine.
Molecular consequence: missense variant.
Genome position (GRCh38, 1-based): chr11:68,047,792, A>G. VCF-style: chr11-68047792-A-G. GRCh37 (hg19) VCF-style: chr11-67815259-A-G.
Other names: c.557A>G, p.Gln186Arg (NM_001351059.2); c.803A>G, p.Gln268Arg (NM_006053.4); short protein forms Q484R, Q186R, Q268R.
Identifiers: ClinVar variation 2149037 (VCV002149037.2), dbSNP rs775013749, ClinGen allele CA6147110.
Genomic context (GRCh38, chr11:68,047,792, plus strand): 5'-GCTTCAGTCGCGCCACCAGCATCTTCCCCTCGGGCTGGAGTGTGGCCGCCATGGCCAACC[A>G]GTCTGGCTGGAGGTGAGGCCCGGGCCCCAGCCCGGCTGGGGGCCCCGCAGCACCCGCAGC-3'
Protein context (NP_006010.2, residues 474-494): SGWSVAAMAN[Gln484Arg]SGWSDAFLAQ

ClinVar aggregate classification (germline): Uncertain significance (1 of 4 stars; one submission).

Allele frequency attached by ClinVar (database versions not stated): gnomAD 0.00001; gnomAD exomes 0.00001; TOPMed 0.00002; ExAC 0.00003.

Submission:

Labcorp Genetics (formerly Invitae), Labcorp
Classification: Uncertain significance. Last evaluated: 2024-12-30. Review status: criteria provided, single submitter. Criteria: Invitae Variant Classification Sherloc (09022015). Collection method: clinical testing. Allele origin: germline.
Comment: This sequence change replaces glutamine, which is neutral and polar, with arginine, which is basic and polar, at codon 484 of the TCIRG1 protein (p.Gln484Arg). This variant is present in population databases (rs775013749, gnomAD 0.003%). This variant has not been reported in the literature in individuals affected with TCIRG1-related conditions. ClinVar contains an entry for this variant (Variation ID: 2149037). Invitae Evidence Modeling of protein sequence and biophysical properties (such as structural, functional, and spatial information, amino acid conservation, physicochemical variation, residue mobility, and thermodynamic stability) indicates that this missense variant is not expected to disrupt TCIRG1 protein function with a negative predictive value of 80%. In summary, the available evidence is currently insufficient to determine the role of this variant in disease. Therefore, it has been classified as a Variant of Uncertain Significance.